The following is an entry in ClinVar:

ClinVar aggregate classification (germline): Likely benign (1 of 4 stars; one submission).

Conditions:
Breast-ovarian cancer, familial, susceptibility to, 2 (BROVCA2). Also called: BRCA2 Hereditary Breast and Ovarian Cancer. Identifiers: Orphanet 145, MedGen C2675520, MONDO:0012933, OMIM 612555. Disease mechanism: loss of function.

gnomAD v4.1: 1 of 1,613,666 alleles (0.000062%); highest among the groups gnomAD compares: Non-Finnish European, 0.000085%; no homozygotes.

Submission:

Cancer Bioinformatics and Tumour Evolution Laboratory, Monash University
Classification: Likely benign for Breast-ovarian cancer, familial, susceptibility to, 2. Last evaluated: 2026-05-01. Review status: criteria provided, single submitter. Criteria: ClinGen BRCA1 and BRCA2 Guidelines, 2024. Collection method: curation. Allele origin: germline. Inheritance: Autosomal dominant inheritance.
Comment: Missense variant outside of a functional domain with no splice impact. BRCA1 and BRCA2 VCEP guidelines recommend application of BP1_Strong (PMID: 39142283)

NM_000059.4(BRCA2):c.6149T>G (p.Val2050Gly)

Gene: BRCA2 (BRCA2 DNA repair associated; plus strand). Cytogenetic location: 13q13.1.
Variant type: single nucleotide variant.
Coding change: c.6149T>G on transcript NM_000059.4 (MANE Select); coding-DNA position 6149, T replaced by G.
Protein change: p.Val2050Gly; replaces valine 2050 with glycine.
Molecular consequence: missense variant. On other transcripts: non-coding transcript variant (1), intron variant (2).
Genome position (GRCh38, 1-based): chr13:32,340,504, T>G. VCF-style: chr13-32340504-T-G. GRCh37 (hg19) VCF-style: chr13-32914641-T-G.
Other names: c.6149T>G, p.Val2050Gly (NM_001406719.1, NM_001406720.1, NM_001432077.1); c.1910-4054T>G (NM_001406721.1); c.425-4054T>G (NM_001406722.1); short protein forms V2050G.
Identifiers: ClinVar variation 4856480 (VCV004856480.1).